The following is an entry in ClinVar:

NM_012330.4(KAT6B):c.2657A>G (p.Gln886Arg)

Gene: KAT6B (lysine acetyltransferase 6B; plus strand). Cytogenetic location: 10q22.2.
Variant type: single nucleotide variant.
Coding change: c.2657A>G on transcript NM_012330.4 (MANE Select); coding-DNA position 2657, A replaced by G.
Protein change: p.Gln886Arg; replaces glutamine 886 with arginine.
Molecular consequence: missense variant.
Genome position (GRCh38, 1-based): chr10:75,020,609, A>G. VCF-style: chr10-75020609-A-G. GRCh37 (hg19) VCF-style: chr10-76780367-A-G.
Other names: c.2108A>G, p.Gln703Arg (NM_001256468.2, NM_001370138.1); c.1781A>G, p.Gln594Arg (NM_001256469.2, NM_001370139.1, NM_001370140.1 and 2 more transcripts); c.1619A>G, p.Gln540Arg (NM_001370132.1); c.968A>G, p.Gln323Arg (NM_001370133.1); c.572A>G, p.Gln191Arg (NM_001370134.1); c.314A>G, p.Gln105Arg (NM_001370135.1); c.2657A>G, p.Gln886Arg (NM_001370136.1, NM_001370137.1); c.1592A>G, p.Gln531Arg (NM_001370143.1, NM_001370144.1); short protein forms Q105R, Q191R, Q323R, Q531R, Q540R, Q594R, Q703R, Q886R.
Identifiers: ClinVar variation 2632935 (VCV002632935.1), dbSNP rs2549160336, ClinGen allele CA377280574.

ClinVar aggregate classification (germline): Uncertain significance (1 of 4 stars; one submission).

Conditions:
KAT6B-related disorder. Also called: KAT6B-related disorders; KAT6B-related condition.

Submission:

PreventionGenetics, part of Exact Sciences
Classification: Uncertain significance for KAT6B-related condition. Last evaluated: 2023-05-18. Review status: criteria provided, single submitter. Criteria: ACMG Guidelines, 2015. Collection method: clinical testing. Allele origin: germline.
Comment: The KAT6B c.2657A>G variant is predicted to result in the amino acid substitution p.Gln886Arg. To our knowledge, this variant has not been reported in the literature or in a large population database, indicating this variant is rare. At this time, the clinical significance of this variant is uncertain due to the absence of conclusive functional and genetic evidence.